The following is an entry in ClinVar:

ClinVar aggregate classification (germline): Uncertain significance (1 of 4 stars; one submission).

gnomAD v4.1: 14 of 1,614,178 alleles (0.00087%); highest among the groups gnomAD compares: Non-Finnish European, 0.0011%; no homozygotes.

Submission:

Women's Health and Genetics/Laboratory Corporation of America, LabCorp
Classification: Uncertain significance. Last evaluated: 2023-05-09. Review status: criteria provided, single submitter. Criteria: LabCorp Variant Classification Summary - May 2015. Collection method: clinical testing. Allele origin: germline.
Comment: Variant summary: FMO3 c.-6-1G>C is located in a canonical splice-site and is predicted to affect mRNA splicing resulting in a significantly altered protein due to either exon skipping, shortening, or inclusion of intronic material. Several computational tools predict a significant impact on normal splicing: four predict the variant abolishes a 3' acceptor site. However, these predictions have yet to be confirmed by functional studies. The variant allele was found at a frequency of 4e-06 in 251460 control chromosomes (gnomAD). To our knowledge, c.-6-1G>C has not been reported in the literature in individuals affected with Trimethylaminuria and no experimental evidence demonstrating an impact on protein function has been reported. No clinical diagnostic laboratories have submitted clinical-significance assessments for this variant to ClinVar after 2014. Based on the evidence outlined above, the variant was classified as VUS-possibly pathogenic.

Literature cited by the submitters: PubMed 30930780.

NM_001002294.3(FMO3):c.-6-1G>C

Gene: FMO3 (flavin containing dimethylaniline monoxygenase 3; plus strand). Cytogenetic location: 1q24.3.
Variant type: single nucleotide variant.
Coding change: c.-6-1G>C on transcript NM_001002294.3 (MANE Select); the canonical splice acceptor site of the intron before 6 bases upstream of the start codon, G replaced by C.
Molecular consequence: splice acceptor variant.
Genome position (GRCh38, 1-based): chr1:171,092,652, G>C. VCF-style: chr1-171092652-G-C. GRCh37 (hg19) VCF-style: chr1-171061793-G-C.
Other names: c.-6-1G>C (NM_001319174.2, NM_006894.6); c.-193-1G>C (NM_001319173.2).
Identifiers: ClinVar variation 2506224 (VCV002506224.1), dbSNP rs1557930130, ClinGen allele CA1206787462.